The following is an entry in ClinVar:

ClinVar aggregate classification (germline): Uncertain significance (1 of 4 stars; one submission).

Allele frequency attached by ClinVar (database versions not stated): gnomAD 0.00002 and 0.00003; 1000 Genomes Project 30x 0.00016.
gnomAD v4.1: 6 of 1,607,958 alleles (0.00037%); highest among the groups gnomAD compares: African/African-American, 0.0067%; no homozygotes.

Submission:

GeneDx
Classification: Uncertain significance. Last evaluated: 2021-03-30. Review status: criteria provided, single submitter. Criteria: GeneDx Variant Classification Process June 2021. Collection method: clinical testing. Allele origin: germline. Affected: yes.
Comment: In silico analysis supports that this missense variant does not alter protein structure/function; Has not been previously published as pathogenic or benign to our knowledge

NM_018896.5(CACNA1G):c.5866C>A (p.Pro1956Thr)

Gene: CACNA1G (calcium voltage-gated channel subunit alpha1 G; plus strand). Cytogenetic location: 17q21.33.
Variant type: single nucleotide variant.
Coding change: c.5866C>A on transcript NM_018896.5 (MANE Select); coding-DNA position 5866, C replaced by A.
Protein change: p.Pro1956Thr; replaces proline 1956 with threonine.
Molecular consequence: missense variant. On other transcripts: intron variant (20).
Genome position (GRCh38, 1-based): chr17:50,619,767, C>A. VCF-style: chr17-50619767-C-A. GRCh37 (hg19) VCF-style: chr17-48697128-C-A.
Other names: c.5833C>A, p.Pro1945Thr (NM_198377.3, NM_198380.3); c.5764C>A, p.Pro1922Thr (NM_198379.3, NM_198396.3); c.5866C>A, p.Pro1956Thr (NM_198385.3); c.5802+759C>A (NM_001256325.2); c.5748+759C>A (NM_198378.3, NM_001256334.2); c.5781+759C>A (NM_198384.3, NM_001256333.2); c.5760+759C>A (NM_001256327.2); c.5727+759C>A (NM_198386.3); and 12 more; short protein forms P1911T, P1922T, P1938T, P1945T, P1956T.
Identifiers: ClinVar variation 1314247 (VCV001314247.2), dbSNP rs768563197, ClinGen allele CA8653497.